The following is an entry in ClinVar:

ClinVar aggregate classification (germline): Uncertain significance. Review status: criteria provided, multiple submitters, no conflicts (2 of 4 stars). 2 submissions from 2 submitters: Uncertain significance (2). Last evaluated 2025-08-13.

Conditions:
Inborn genetic diseases. Identifiers: MedGen C0950123, MeSH D030342.

Allele frequency attached by ClinVar (database versions not stated): gnomAD 0.00001; gnomAD exomes 0.00001; TOPMed 0.00002; ExAC 0.00004.
gnomAD v4.1: 9 of 1,612,040 alleles (0.00056%); highest among the groups gnomAD compares: Admixed American, 0.005%; no homozygotes.

Submissions (2):

Labcorp Genetics (formerly Invitae), Labcorp
Classification: Uncertain significance. Last evaluated: 2025-08-13. Review status: criteria provided, single submitter. Criteria: Invitae Variant Classification Sherloc (09022015). Collection method: clinical testing. Allele origin: germline.
Comment: This sequence change replaces glutamic acid, which is acidic and polar, with lysine, which is basic and polar, at codon 3670 of the DNAH9 protein (p.Glu3670Lys). This variant is present in population databases (rs773258967, gnomAD 0.01%). This variant has not been reported in the literature in individuals affected with DNAH9-related conditions. ClinVar contains an entry for this variant (Variation ID: 2081041). Invitae Evidence Modeling of protein sequence and biophysical properties (such as structural, functional, and spatial information, amino acid conservation, physicochemical variation, residue mobility, and thermodynamic stability) indicates that this missense variant is not expected to disrupt DNAH9 protein function with a negative predictive value of 80%. In summary, the available evidence is currently insufficient to determine the role of this variant in disease. Therefore, it has been classified as a Variant of Uncertain Significance.

Ambry Genetics
Classification: Uncertain significance for Inborn genetic diseases. Last evaluated: 2025-07-15. Review status: criteria provided, single submitter. Criteria: Ambry Variant Classification Scheme 2023. Collection method: clinical testing. Allele origin: germline.

NM_001372.4(DNAH9):c.11008G>A (p.Glu3670Lys)

Gene: DNAH9 (dynein axonemal heavy chain 9; plus strand). Cytogenetic location: 17p12.
Variant type: single nucleotide variant.
Coding change: c.11008G>A on transcript NM_001372.4 (MANE Select); coding-DNA position 11008, G replaced by A.
Protein change: p.Glu3670Lys; replaces glutamic acid 3670 with lysine.
Molecular consequence: missense variant. On other transcripts: 5 prime UTR variant (1).
Genome position (GRCh38, 1-based): chr17:11,886,861, G>A. VCF-style: chr17-11886861-G-A. GRCh37 (hg19) VCF-style: chr17-11790178-G-A.
Other names: c.-57G>A (NM_004662.2); short protein forms E3670K.
Identifiers: ClinVar variation 2081041 (VCV002081041.6), dbSNP rs773258967, ClinGen allele CA8397706.